The following is an entry in ClinVar:

NM_032638.5(GATA2):c.1113del (p.Asn371fs)

Gene: GATA2 (GATA binding protein 2; minus strand). Cytogenetic location: 3q21.3.
Variant type: Deletion.
Coding change: c.1113del on transcript NM_032638.5 (MANE Select); coding-DNA position 1113, one base deleted (C; older notation c.1113delC).
Protein change: p.Asn371fs; shifts the reading frame from asparagine 371.
Molecular consequence: frameshift variant.
Genome position (GRCh38, 1-based): chr3:128,481,849, G deleted on the plus strand (C on the coding strand, the reverse complement: GATA2 is on the minus strand). VCF-style (leftmost placement, unchanged base first): chr3-128481848-CG-C. GRCh37 (hg19) VCF-style: chr3-128200691-CG-C.
Other names: c.1113del, p.Asn371fs (NM_001145661.2); c.1071del, p.Asn357fs (NM_001145662.1); short protein forms N357fs, N371fs.
Identifiers: ClinVar variation 1184163 (VCV001184163.1), dbSNP rs2107668634, ClinGen allele CA2499216431.

ClinVar aggregate classification (germline): Pathogenic (1 of 4 stars; one submission).

Conditions:
Deafness-lymphedema-leukemia syndrome. Also called: Emberger syndrome; Lymphedema, primary, with myelodysplasia. Identifiers: Orphanet 3226, MedGen C3279664, MONDO:0013540, OMIM 614038.
GATA2 deficiency with susceptibility to MDS/AML. Identifiers: MedGen CN300066, MONDO:0042982.

Submission:

Molecular Pathology Research Laboratory, SA Pathology
Classification: Pathogenic for GATA2 deficiency with susceptibility to MDS/AML; Deafness-lymphedema-leukemia syndrome. Last evaluated: 2021-07-06. Review status: criteria provided, single submitter. Criteria: ACMG Guidelines, 2015. Collection method: curation. Allele origin: unknown. Inheritance: Autosomal dominant inheritance. Affected: yes. Observed: 1 variant allele.
Comment: PVS1, PS4_Supporting, PM2

Literature cited by the submitters: PubMed 32088370.